The following is an entry in ClinVar:

NM_001003800.2(BICD2):c.1265G>A (p.Gly422Glu)

Gene: BICD2 (BICD cargo adaptor 2; minus strand). Cytogenetic location: 9q22.31.
Variant type: single nucleotide variant.
Coding change: c.1265G>A on transcript NM_001003800.2 (MANE Select); coding-DNA position 1265, G replaced by A.
Protein change: p.Gly422Glu; replaces glycine 422 with glutamic acid.
Molecular consequence: missense variant.
Genome position (GRCh38, 1-based): chr9:92,719,380, C>T on the plus strand (G>A on the coding strand, the complement: BICD2 is on the minus strand). VCF-style: chr9-92719380-C-T. GRCh37 (hg19) VCF-style: chr9-95481662-C-T.
Other names: c.1265G>A, p.Gly422Glu (NM_015250.4); short protein forms G422E.
Identifiers: ClinVar variation 1469249 (VCV001469249.8), dbSNP rs2131501032, ClinGen allele CA374039242.

ClinVar aggregate classification (germline): Uncertain significance (1 of 4 stars; one submission).

Conditions:
Autosomal dominant childhood-onset proximal spinal muscular atrophy with contractures (SMALED2A). Also called: SPINAL MUSCULAR ATROPHY, LOWER EXTREMITY-PREDOMINANT, 2A, CHILDHOOD ONSET, AUTOSOMAL DOMINANT; Spinal muscular atrophy, lower extremity-predominant, 2A, autosomal dominant. Identifiers: Orphanet 363447, Orphanet 363454, MedGen C4747715, MONDO:0014121, OMIM 615290.

Submission:

Labcorp Genetics (formerly Invitae), Labcorp
Classification: Uncertain significance for Autosomal dominant childhood-onset proximal spinal muscular atrophy with contractures. Last evaluated: 2022-09-19. Review status: criteria provided, single submitter. Criteria: Invitae Variant Classification Sherloc (09022015). Collection method: clinical testing. Allele origin: germline.
Comment: In summary, the available evidence is currently insufficient to determine the role of this variant in disease. Therefore, it has been classified as a Variant of Uncertain Significance. Advanced modeling of protein sequence and biophysical properties (such as structural, functional, and spatial information, amino acid conservation, physicochemical variation, residue mobility, and thermodynamic stability) performed at Invitae indicates that this missense variant is not expected to disrupt BICD2 protein function. ClinVar contains an entry for this variant (Variation ID: 1469249). This variant has not been reported in the literature in individuals affected with BICD2-related conditions. This variant is not present in population databases (gnomAD no frequency). This sequence change replaces glycine, which is neutral and non-polar, with glutamic acid, which is acidic and polar, at codon 422 of the BICD2 protein (p.Gly422Glu).